The following is an entry in ClinVar:

NM_000540.3(RYR1):c.12739_12750del (p.Ala4247_Ile4250del)

Gene: RYR1 (ryanodine receptor 1; plus strand). Cytogenetic location: 19q13.2.
Variant type: Deletion.
Coding change: c.12739_12750del on transcript NM_000540.3 (MANE Select); coding-DNA positions 12739 to 12750, 12 bases deleted (GCCGCGCAGATC).
Protein change: p.Ala4247_Ile4250del.
Molecular consequence: inframe deletion.
Genome position (GRCh38, 1-based): chr19:38,565,073-38,565,084, GCCGCGCAGATC deleted; deleting any 12 consecutive bases within chr19:38,565,066-38,565,084 gives the same sequence; the c. name uses the placement nearest the transcript's 3' end. VCF-style (leftmost placement, unchanged base first): chr19-38565065-TGCAGATCGCCGC-T. GRCh37 (hg19) VCF-style: chr19-39055705-TGCAGATCGCCGC-T.
Other names: c.12724_12735del, p.Ala4242_Ile4245del (NM_001042723.2).
Identifiers: ClinVar variation 1341371 (VCV001341371.2), dbSNP rs2145843330, ClinGen allele CA2573054758.

ClinVar aggregate classification (germline): Uncertain significance. Review status: criteria provided, multiple submitters, no conflicts (2 of 4 stars). 2 submissions from 2 submitters: Uncertain significance (2). Last evaluated 2023-10-24.

Conditions:
Congenital multicore myopathy with external ophthalmoplegia (CMYO1B). Also called: Minicore myopathy with external ophthalmoplegia; MULTIMINICORE DISEASE WITH EXTERNAL OPHTHALMOPLEGIA; Congenital myopathy 1B, autosomal recessive; Minicore myopathy; MULTICORE MYOPATHY. Identifiers: Orphanet 598, Orphanet 98905, MedGen C1850674, MONDO:0009712, OMIM 255320, HP:0003789.

Submissions (2):

3billion
Classification: Uncertain significance for Congenital multicore myopathy with external ophthalmoplegia. Last evaluated: 2023-10-24. Review status: criteria provided, single submitter. Criteria: ACMG Guidelines, 2015. Collection method: clinical testing. Allele origin: germline. Affected: yes.
Comment: The variant is not observed in the gnomAD v2.1.1 dataset. Predicted Consequence/Location: Inframe deletion located in a nonrepeat region: predicted to change the length of the protein and disrupt normal protein function. Therefore, this variant is classified as VUS according to the recommendation of ACMG/AMP guideline.

Pediatric Department, Peking University First Hospital
Classification: Uncertain significance for Congenital multicore myopathy with external ophthalmoplegia. Last evaluated: 2022-02-08. Review status: criteria provided, single submitter. Criteria: ACMG Guidelines, 2015. Collection method: provider interpretation. Allele origin: paternal. Affected: yes.